The following is an entry in ClinVar:

ClinVar aggregate classification (germline): Uncertain significance (1 of 4 stars; one submission).

Submission:

Labcorp Genetics (formerly Invitae), Labcorp
Classification: Uncertain significance. Last evaluated: 2024-11-07. Review status: criteria provided, single submitter. Criteria: Invitae Variant Classification Sherloc (09022015). Collection method: clinical testing. Allele origin: germline.
Comment: This sequence change affects codon 1194 of the LTBP4 mRNA. It is a 'silent' change, meaning that it does not change the encoded amino acid sequence of the LTBP4 protein. This variant is not present in population databases (gnomAD no frequency). This variant has not been reported in the literature in individuals affected with LTBP4-related conditions. Algorithms developed to predict the effect of sequence changes on RNA splicing suggest that this variant may disrupt the consensus splice site. In summary, the available evidence is currently insufficient to determine the role of this variant in disease. Therefore, it has been classified as a Variant of Uncertain Significance.

NM_001042545.2(LTBP4):c.3492C>T (p.Tyr1164=)

Gene: LTBP4 (latent transforming growth factor beta binding protein 4; plus strand). Cytogenetic location: 19q13.2.
Variant type: single nucleotide variant.
Coding change: c.3492C>T on transcript NM_001042545.2 (MANE Select); coding-DNA position 3492, C replaced by T.
Protein change: p.Tyr1164=; no amino-acid change (tyrosine 1164 retained).
Molecular consequence: synonymous variant.
Genome position (GRCh38, 1-based): chr19:40,622,957, C>T. VCF-style: chr19-40622957-C-T. GRCh37 (hg19) VCF-style: chr19-41128862-C-T.
Other names: c.3693C>T, p.Tyr1231= (NM_001042544.1); c.3582C>T, p.Tyr1194= (NM_003573.2).
Identifiers: ClinVar variation 3724810 (VCV003724810.2).